The following is an entry in ClinVar:

NC_000016.10:g.(?_14436697)_(14609143_?)dup

Gene: PARN (poly(A)-specific ribonuclease; minus strand). Cytogenetic location: 16p13.12.
Variant type: Duplication.
Identifiers: ClinVar variation 831172 (VCV000831172.9).

ClinVar aggregate classification (germline): Uncertain significance (1 of 4 stars; one submission).

Conditions:
Dyskeratosis congenita, autosomal recessive 6 (DKCB6). Identifiers: MedGen C4225356, MONDO:0014600, OMIM 616353.
Pulmonary fibrosis and/or bone marrow failure, Telomere-related, 4. Also called: PULMONARY FIBROSIS AND/OR BONE MARROW FAILURE SYNDROME, TELOMERE-RELATED, 4. Identifiers: Orphanet 2032, MedGen C4225347, MONDO:0014612, OMIM 616371.

Submission:

Labcorp Genetics (formerly Invitae), Labcorp
Classification: Uncertain significance for Dyskeratosis congenita, autosomal recessive 6; Pulmonary fibrosis and/or bone marrow failure, Telomere-related, 4. Last evaluated: 2021-01-28. Review status: criteria provided, single submitter. Criteria: Invitae Variant Classification Sherloc (09022015). Collection method: clinical testing. Allele origin: germline.
Comment: In summary, the available evidence is currently insufficient to determine the role of this variant in disease. Therefore, it has been classified as a Variant of Uncertain Significance. This variant has not been reported in the literature in individuals with PARN-related conditions. This variant results in a copy number gain of the genomic region encompassing exons 8-24 of the PARN gene. The 5' boundary is likely confined to intron 7. The 3' end of this event is unknown as it extends beyond the assayed region for this gene and therefore may encompass additional genes. As the precise location of this event is unknown, it may be in tandem or it may be located elsewhere in the genome.